The following is an entry in ClinVar:

ClinVar aggregate classification (germline): Likely benign (1 of 4 stars; one submission).

Allele frequency attached by ClinVar (database versions not stated): gnomAD 0.00001; gnomAD exomes 0.00001; ExAC 0.00003.
gnomAD v4.1: 15 of 1,209,896 alleles (0.0012%); highest among the groups gnomAD compares: South Asian, 0.018%; no homozygotes.

Submission:

CeGaT Center for Human Genetics Tuebingen
Classification: Likely benign. Last evaluated: 2022-10-01. Review status: criteria provided, single submitter. Criteria: CeGaT Center For Human Genetics Tuebingen Variant Classification Criteria Version 2. Collection method: clinical testing. Allele origin: germline. Affected: yes. Observed: 1 variant allele.
Comment: EBP: BP4, BP7

NM_006579.3(EBP):c.516C>T (p.Asp172=)

Gene: EBP (EBP cholestenol delta-isomerase; plus strand). Cytogenetic location: Xp11.23.
Variant type: single nucleotide variant.
Coding change: c.516C>T on transcript NM_006579.3 (MANE Select); coding-DNA position 516, C replaced by T.
Protein change: p.Asp172=; no amino-acid change (aspartic acid 172 retained).
Molecular consequence: synonymous variant.
Genome position (GRCh38, 1-based): chrX:48,528,280, C>T. VCF-style: chrX-48528280-C-T. GRCh37 (hg19) VCF-style: chrX-48386668-C-T.
Identifiers: ClinVar variation 2660457 (VCV002660457.24), dbSNP rs782365502, ClinGen allele CA10403052.